The following is an entry in ClinVar:

NM_004839.4(HOMER2):c.805C>T (p.Leu269Phe)

Gene: HOMER2 (homer scaffold protein 2; minus strand). Cytogenetic location: 15q25.2.
Variant type: single nucleotide variant.
Coding change: c.805C>T on transcript NM_004839.4 (MANE Select); coding-DNA position 805, C replaced by T.
Protein change: p.Leu269Phe; replaces leucine 269 with phenylalanine.
Molecular consequence: missense variant.
Genome position (GRCh38, 1-based): chr15:82,851,189, G>A on the plus strand (C>T on the coding strand, the complement: HOMER2 is on the minus strand). VCF-style: chr15-82851189-G-A. GRCh37 (hg19) VCF-style: chr15-83519941-G-A.
Other names: c.838C>T, p.Leu280Phe (NM_199330.3); short protein forms L280F, L269F.
Identifiers: ClinVar variation 4992111 (VCV004992111.1).

ClinVar aggregate classification (germline): Uncertain significance (1 of 4 stars; one submission).

Conditions:
HOMER2-related disorder. Also called: HOMER2-related condition.

gnomAD v4.1: 2 of 1,573,438 alleles (0.00013%); highest among the groups gnomAD compares: Admixed American, 0.0018%; no homozygotes.

Submission:

PreventionGenetics, part of Exact Sciences
Classification: Uncertain significance for HOMER2-related condition. Last evaluated: 2026-08-26. Review status: criteria provided, single submitter. Criteria: ACMG Guidelines, 2015. Collection method: clinical testing. Allele origin: germline.
Comment: The HOMER2 c.805C>T variant is predicted to result in the amino acid substitution p.Leu269Phe. To our knowledge, this variant has not been reported in the literature. This variant is reported in 0.0041% of alleles in individuals of South Asian descent in gnomAD. At this time, the clinical significance of this variant is uncertain due to the absence of conclusive functional and genetic evidence.